The following is an entry in ClinVar:

ClinVar aggregate classification (germline): Conflicting classifications of pathogenicity. Review status: criteria provided, conflicting classifications (1 of 4 stars). 4 submissions from 4 submitters: Uncertain significance (1); Likely benign (2). 1 of the submissions does not count toward it. Last evaluated 2026-01-26.

Conditions:
HPS4-related disorder. Also called: HPS4-related condition.
Hermansky-Pudlak syndrome 4 (HPS4). Identifiers: Orphanet 231500, Orphanet 79430, MedGen C3484357, MONDO:0013556, OMIM 614073.

Allele frequency attached by ClinVar (database versions not stated): gnomAD exomes 0.00005 and 0.00013; ESP Exome Variant Server 0.00008; ExAC 0.00010; gnomAD 0.00021 and 0.00023; 1000 Genomes Project 30x 0.00031; 1000 Genomes Project 0.00040; TOPMed 0.00051.
gnomAD v4.1: 122 of 1,614,198 alleles (0.0076%); highest among the groups gnomAD compares: Admixed American, 0.1%; 1 homozygote.

Submissions (4):

Labcorp Genetics (formerly Invitae), Labcorp
Classification: Likely benign. Last evaluated: 2026-01-26. Review status: criteria provided, single submitter. Criteria: Invitae Variant Classification Sherloc (09022015). Collection method: clinical testing. Allele origin: germline.

Blueprint Genetics
Classification: Likely benign. Last evaluated: 2024-03-15. Review status: criteria provided, single submitter. Criteria: ACMG Guidelines, 2015. Collection method: clinical testing. Allele origin: germline.

Illumina Laboratory Services, Illumina
Classification: Uncertain significance for Hermansky-Pudlak syndrome 4. Last evaluated: 2018-01-13. Review status: criteria provided, single submitter. Criteria: ICSL Variant Classification Criteria 13 December 2019. Collection method: clinical testing. Allele origin: germline.

PreventionGenetics, part of Exact Sciences
Classification: Likely benign for HPS4-related condition. Last evaluated: 2024-02-27. Review status: no assertion criteria provided. Collection method: clinical testing. Allele origin: germline. Not counted in ClinVar's aggregate classification.
Comment: This variant is classified as likely benign based on ACMG/AMP sequence variant interpretation guidelines (Richards et al. 2015 PMID: 25741868, with internal and published modifications).

NM_022081.6(HPS4):c.1192A>C (p.Arg398=)

Gene: HPS4 (HPS4 biogenesis of lysosomal organelles complex 3 subunit 2; minus strand). Cytogenetic location: 22q12.1.
Variant type: single nucleotide variant.
Coding change: c.1192A>C on transcript NM_022081.6 (MANE Select); coding-DNA position 1192, A replaced by C.
Protein change: p.Arg398=; no amino-acid change (arginine 398 retained).
Molecular consequence: synonymous variant. On other transcripts: non-coding transcript variant (8).
Genome position (GRCh38, 1-based): chr22:26,464,438, T>G on the plus strand (A>C on the coding strand, the complement: HPS4 is on the minus strand). VCF-style: chr22-26464438-T-G. GRCh37 (hg19) VCF-style: chr22-26860404-T-G.
Other names: c.1192A>C, p.Arg398= (NM_001349896.1, NM_001349898.2, NM_001349899.2 and 4 more transcripts); c.1246A>C, p.Arg416= (NM_001349900.2, NM_001349901.1); c.1177A>C, p.Arg393= (NM_152841.2).
Identifiers: ClinVar variation 341010 (VCV000341010.16), dbSNP rs375655372, ClinGen allele CA10163382.